The following is an entry in ClinVar:

ClinVar aggregate classification (germline): Uncertain significance (1 of 4 stars; one submission).

Allele frequency attached by ClinVar (database versions not stated): gnomAD exomes below 0.00001.
gnomAD v4.1: 2 of 1,613,456 alleles (0.00012%); no homozygotes.

Submission:

Labcorp Genetics (formerly Invitae), Labcorp
Classification: Uncertain significance. Last evaluated: 2022-12-13. Review status: criteria provided, single submitter. Criteria: Invitae Variant Classification Sherloc (09022015). Collection method: clinical testing. Allele origin: germline.
Comment: In summary, the available evidence is currently insufficient to determine the role of this variant in disease. Therefore, it has been classified as a Variant of Uncertain Significance. Algorithms developed to predict the effect of missense changes on protein structure and function (SIFT, PolyPhen-2, Align-GVGD) all suggest that this variant is likely to be disruptive. This variant has not been reported in the literature in individuals affected with ITGAM-related conditions. This variant is present in population databases (no rsID available, gnomAD 0.004%). This sequence change replaces proline, which is neutral and non-polar, with serine, which is neutral and polar, at codon 1107 of the ITGAM protein (p.Pro1107Ser).

NM_000632.4(ITGAM):c.3319C>T (p.Pro1107Ser)

Gene: ITGAM (integrin subunit alpha M; plus strand). Cytogenetic location: 16p11.2.
Variant type: single nucleotide variant.
Coding change: c.3319C>T on transcript NM_000632.4 (MANE Select); coding-DNA position 3319, C replaced by T.
Protein change: p.Pro1107Ser; replaces proline 1107 with serine.
Molecular consequence: missense variant.
Genome position (GRCh38, 1-based): chr16:31,331,207, C>T. VCF-style: chr16-31331207-C-T. GRCh37 (hg19) VCF-style: chr16-31342528-C-T.
Other names: c.3322C>T, p.Pro1108Ser (NM_001145808.2); short protein forms P1108S, P1107S.
Identifiers: ClinVar variation 2809000 (VCV002809000.3), dbSNP rs1488948722, ClinGen allele CA395706247.